The following is an entry in ClinVar:

NM_003803.4(MYOM1):c.3781C>T (p.Arg1261Trp)

Gene: MYOM1 (myomesin 1; minus strand). Cytogenetic location: 18p11.31.
Variant type: single nucleotide variant.
Coding change: c.3781C>T on transcript NM_003803.4 (MANE Select); coding-DNA position 3781, C replaced by T.
Protein change: p.Arg1261Trp; replaces arginine 1261 with tryptophan.
Molecular consequence: missense variant.
Genome position (GRCh38, 1-based): chr18:3,094,253, G>A on the plus strand (C>T on the coding strand, the complement: MYOM1 is on the minus strand). VCF-style: chr18-3094253-G-A. GRCh37 (hg19) VCF-style: chr18-3094251-G-A.
Other names: c.3493C>T, p.Arg1165Trp (NM_019856.2); short protein forms R1261W, R1165W.
Identifiers: ClinVar variation 569936 (VCV000569936.6), dbSNP rs776620810, ClinGen allele CA8874165.

ClinVar aggregate classification (germline): Uncertain significance (1 of 4 stars; one submission).

Conditions:
Hypertrophic cardiomyopathy. Also called: HYPERTROPHIC MYOCARDIOPATHY. Identifiers: Orphanet 217569, MedGen C0007194, MeSH D002312, MONDO:0005045, HP:0001639.

Allele frequency attached by ClinVar (database versions not stated): gnomAD 0.00001; gnomAD exomes 0.00001 and 0.00002; TOPMed 0.00001; ExAC 0.00002.
gnomAD v4.1: 13 of 1,613,696 alleles (0.00081%); highest among the groups gnomAD compares: South Asian, 0.0044%; no homozygotes.

Submission:

Labcorp Genetics (formerly Invitae), Labcorp
Classification: Uncertain significance for Hypertrophic cardiomyopathy. Last evaluated: 2024-10-30. Review status: criteria provided, single submitter. Criteria: Invitae Variant Classification Sherloc (09022015). Collection method: clinical testing. Allele origin: germline.
Comment: This sequence change replaces arginine, which is basic and polar, with tryptophan, which is neutral and slightly polar, at codon 1261 of the MYOM1 protein (p.Arg1261Trp). This variant is present in population databases (rs776620810, gnomAD 0.01%). This variant has not been reported in the literature in individuals affected with MYOM1-related conditions. ClinVar contains an entry for this variant (Variation ID: 569936). Invitae Evidence Modeling of protein sequence and biophysical properties (such as structural, functional, and spatial information, amino acid conservation, physicochemical variation, residue mobility, and thermodynamic stability) has been performed for this missense variant. However, the output from this modeling did not meet the statistical confidence thresholds required to predict the impact of this variant on MYOM1 protein function. In summary, the available evidence is currently insufficient to determine the role of this variant in disease. Therefore, it has been classified as a Variant of Uncertain Significance.